The following is an entry in ClinVar:

ClinVar aggregate classification (germline): Uncertain significance (1 of 4 stars; one submission).

Allele frequency attached by ClinVar (database versions not stated): gnomAD 0.00001; gnomAD exomes 0.00001; TOPMed 0.00001; ExAC 0.00002.
gnomAD v4.1: 10 of 1,614,134 alleles (0.00062%); highest among the groups gnomAD compares: Non-Finnish European, 0.00085%; no homozygotes.

Submission:

Labcorp Genetics (formerly Invitae), Labcorp
Classification: Uncertain significance. Last evaluated: 2025-08-22. Review status: criteria provided, single submitter. Criteria: Invitae Variant Classification Sherloc (09022015). Collection method: clinical testing. Allele origin: germline.
Comment: This sequence change replaces valine, which is neutral and non-polar, with alanine, which is neutral and non-polar, at codon 1494 of the TRPM1 protein (p.Val1494Ala). This variant is not present in population databases (gnomAD no frequency). This variant has not been reported in the literature in individuals affected with TRPM1-related conditions. ClinVar contains an entry for this variant (Variation ID: 1008289). Invitae Evidence Modeling of protein sequence and biophysical properties (such as structural, functional, and spatial information, amino acid conservation, physicochemical variation, residue mobility, and thermodynamic stability) indicates that this missense variant is not expected to disrupt TRPM1 protein function with a negative predictive value of 95%. In summary, the available evidence is currently insufficient to determine the role of this variant in disease. Therefore, it has been classified as a Variant of Uncertain Significance.

NM_001252024.2(TRPM1):c.4547T>C (p.Val1516Ala)

Gene: TRPM1 (transient receptor potential cation channel subfamily M member 1; minus strand). Cytogenetic location: 15q13.3.
Variant type: single nucleotide variant.
Coding change: c.4547T>C on transcript NM_001252024.2 (MANE Select); coding-DNA position 4547, T replaced by C.
Protein change: p.Val1516Ala; replaces valine 1516 with alanine.
Molecular consequence: missense variant.
Genome position (GRCh38, 1-based): chr15:31,002,153, A>G on the plus strand (T>C on the coding strand, the complement: TRPM1 is on the minus strand). VCF-style: chr15-31002153-A-G. GRCh37 (hg19) VCF-style: chr15-31294356-A-G.
Other names: c.4598T>C, p.Val1533Ala (NM_001252020.2); c.4481T>C, p.Val1494Ala (NM_002420.6); short protein forms V1494A, V1516A, V1533A.
Identifiers: ClinVar variation 1008289 (VCV001008289.8), dbSNP rs757184114, ClinGen allele CA7451621.